The following is an entry in ClinVar:

NM_005633.4(SOS1):c.1402A>T (p.Met468Leu)

Gene: SOS1 (SOS Ras/Rac guanine nucleotide exchange factor 1; minus strand). Cytogenetic location: 2p22.1.
Variant type: single nucleotide variant.
Coding change: c.1402A>T on transcript NM_005633.4 (MANE Select); coding-DNA position 1402, A replaced by T.
Protein change: p.Met468Leu; replaces methionine 468 with leucine.
Molecular consequence: missense variant.
Genome position (GRCh38, 1-based): chr2:39,023,026, T>A on the plus strand (A>T on the coding strand, the complement: SOS1 is on the minus strand). VCF-style: chr2-39023026-T-A. GRCh37 (hg19) VCF-style: chr2-39250167-T-A.
Other names: c.1381A>T, p.Met461Leu (NM_001382394.1); c.1402A>T, p.Met468Leu (NM_001382395.1); short protein forms M461L, M468L.
Identifiers: ClinVar variation 4747108 (VCV004747108.1).

ClinVar aggregate classification (germline): Uncertain significance (1 of 4 stars; one submission).

Conditions:
RASopathy. Also called: Noonan spectrum disorder; rasopathies. Identifiers: Orphanet 536391, MedGen C5555857, MONDO:0021060.

Submission:

Labcorp Genetics (formerly Invitae), Labcorp
Classification: Uncertain significance for RASopathy. Last evaluated: 2026-01-27. Review status: criteria provided, single submitter. Criteria: Invitae Variant Classification Sherloc (09022015). Collection method: clinical testing. Allele origin: germline.
Comment: This sequence change replaces methionine, which is neutral and non-polar, with leucine, which is neutral and non-polar, at codon 468 of the SOS1 protein (p.Met468Leu). This variant is not present in population databases (gnomAD no frequency). This variant has not been reported in the literature in individuals affected with SOS1-related conditions. Invitae Evidence Modeling of protein sequence and biophysical properties (such as structural, functional, and spatial information, amino acid conservation, physicochemical variation, residue mobility, and thermodynamic stability) indicates that this missense variant is not expected to disrupt SOS1 protein function with a negative predictive value of 95%. In summary, the available evidence is currently insufficient to determine the role of this variant in disease. Therefore, it has been classified as a Variant of Uncertain Significance.